The following is an entry in ClinVar:

ClinVar aggregate classification (germline): Conflicting classifications of pathogenicity. Review status: criteria provided, conflicting classifications (1 of 4 stars). 3 submissions from 3 submitters: Uncertain significance (2); Likely benign (1). Last evaluated 2025-08-29.

Conditions:
Inborn genetic diseases. Identifiers: MedGen C0950123, MeSH D030342.

Allele frequency attached by ClinVar (database versions not stated): gnomAD exomes 0.00005; TOPMed 0.00005; gnomAD 0.00006; ExAC 0.00015; 1000 Genomes Project 0.00020; 1000 Genomes Project 30x 0.00031.
gnomAD v4.1: 88 of 1,614,010 alleles (0.0055%); highest among the groups gnomAD compares: South Asian, 0.083%; 1 homozygote.

Submissions (3):

Ambry Genetics
Classification: Uncertain significance for Inborn genetic diseases. Last evaluated: 2025-08-29. Review status: criteria provided, single submitter. Criteria: Ambry Variant Classification Scheme 2023. Collection method: clinical testing. Allele origin: germline.

Blueprint Genetics
Classification: Likely benign. Last evaluated: 2024-02-08. Review status: criteria provided, single submitter. Criteria: ACMG Guidelines, 2015. Collection method: clinical testing. Allele origin: germline.

Labcorp Genetics (formerly Invitae), Labcorp
Classification: Uncertain significance. Last evaluated: 2022-08-08. Review status: criteria provided, single submitter. Criteria: Invitae Variant Classification Sherloc (09022015). Collection method: clinical testing. Allele origin: germline.
Comment: This sequence change replaces glutamic acid, which is acidic and polar, with lysine, which is basic and polar, at codon 262 of the MTTP protein (p.Glu262Lys). This variant is present in population databases (rs557746913, gnomAD 0.07%). This variant has not been reported in the literature in individuals affected with MTTP-related conditions. Algorithms developed to predict the effect of missense changes on protein structure and function (SIFT, PolyPhen-2, Align-GVGD) all suggest that this variant is likely to be tolerated. In summary, the available evidence is currently insufficient to determine the role of this variant in disease. Therefore, it has been classified as a Variant of Uncertain Significance.

NM_001386140.1(MTTP):c.784G>A (p.Glu262Lys)

Gene: MTTP (microsomal triglyceride transfer protein; plus strand). Cytogenetic location: 4q23.
Variant type: single nucleotide variant.
Coding change: c.784G>A on transcript NM_001386140.1 (MANE Select); coding-DNA position 784, G replaced by A.
Protein change: p.Glu262Lys; replaces glutamic acid 262 with lysine.
Molecular consequence: missense variant.
Genome position (GRCh38, 1-based): chr4:99,594,758, G>A. VCF-style: chr4-99594758-G-A. GRCh37 (hg19) VCF-style: chr4-100515915-G-A.
Other names: c.784G>A, p.Glu262Lys (NM_000253.4); c.535G>A, p.Glu179Lys (NM_001300785.2); c.784G>A (NM_000253.2); short protein forms E179K, E262K.
Identifiers: ClinVar variation 2201956 (VCV002201956.5), dbSNP rs557746913, ClinGen allele CA3021950.